The following is an entry in ClinVar:

ClinVar aggregate classification (germline): Uncertain significance (1 of 4 stars; one submission).

Conditions:
Immunodeficiency 25. Also called: Immunodeficiency due to defect in cd3-zeta, somatic. Identifiers: MedGen C1857798, MONDO:0012426, OMIM 610163.

Allele frequency attached by ClinVar (database versions not stated): ExAC 0.00002; gnomAD exomes 0.00002 and 0.00003; gnomAD 0.00003; TOPMed 0.00003; 1000 Genomes Project 30x 0.00016; 1000 Genomes Project 0.00020.
gnomAD v4.1: 49 of 1,614,128 alleles (0.003%); highest among the groups gnomAD compares: African/African-American, 0.0067%; no homozygotes.

Submission:

Labcorp Genetics (formerly Invitae), Labcorp
Classification: Uncertain significance for Immunodeficiency 25. Last evaluated: 2019-06-30. Review status: criteria provided, single submitter. Criteria: Invitae Variant Classification Sherloc (09022015). Collection method: clinical testing. Allele origin: germline.
Comment: In summary, the available evidence is currently insufficient to determine the role of this variant in disease. Therefore, it has been classified as a Variant of Uncertain Significance. Algorithms developed to predict the effect of missense changes on protein structure and function are either unavailable or do not agree on the potential impact of this missense change (SIFT: "Tolerated"; PolyPhen-2: "Probably Damaging"; Align-GVGD: "Class C0"). This variant has not been reported in the literature in individuals with CD247-related conditions. This variant is present in population databases (rs561262982, ExAC 0.01%). This sequence change replaces alanine with threonine at codon 155 of the CD247 protein (p.Ala155Thr). The alanine residue is highly conserved and there is a small physicochemical difference between alanine and threonine.

NM_198053.3(CD247):c.463G>A (p.Ala155Thr)

Gene: CD247 (CD247 molecule; minus strand). Cytogenetic location: 1q24.2.
Variant type: single nucleotide variant.
Coding change: c.463G>A on transcript NM_198053.3 (MANE Select); coding-DNA position 463, G replaced by A.
Protein change: p.Ala155Thr; replaces alanine 155 with threonine.
Molecular consequence: missense variant.
Genome position (GRCh38, 1-based): chr1:167,431,713, C>T on the plus strand (G>A on the coding strand, the complement: CD247 is on the minus strand). VCF-style: chr1-167431713-C-T. GRCh37 (hg19) VCF-style: chr1-167400950-C-T.
Other names: c.460G>A, p.Ala154Thr (NM_000734.4); c.556G>A, p.Ala186Thr (NM_001378515.1); c.553G>A, p.Ala185Thr (NM_001378516.1); short protein forms A155T, A154T, A185T, A186T.
Identifiers: ClinVar variation 937736 (VCV000937736.5), dbSNP rs561262982, ClinGen allele CA1225861.